The following is an entry in ClinVar:

NM_000138.5(FBN1):c.6034G>T (p.Glu2012Ter)

Gene: FBN1 (fibrillin 1; minus strand). Cytogenetic location: 15q21.1.
Variant type: single nucleotide variant.
Coding change: c.6034G>T on transcript NM_000138.5 (MANE Select); coding-DNA position 6034, G replaced by T.
Protein change: p.Glu2012Ter; replaces glutamic acid 2012 with a stop codon.
Molecular consequence: nonsense.
Genome position (GRCh38, 1-based): chr15:48,444,544, C>A on the plus strand (G>T on the coding strand, the complement: FBN1 is on the minus strand). VCF-style: chr15-48444544-C-A. GRCh37 (hg19) VCF-style: chr15-48736741-C-A.
Other names: short protein forms E2012*.
Identifiers: ClinVar variation 1453128 (VCV001453128.6), dbSNP rs2141247988, ClinGen allele CA392339480.
Genomic context (GRCh38, chr15:48,444,544, plus strand): 5'-GCTAAGTCCAGTGGACACCCGACACTCCTCATTTGCTACAACTGATAGCTTTCCTACCTT[C>A]ACACTTCTCATTTTGAAGACTGTATCCAGGTGGGCAAATGCATCTGTAGGACCCATCCAA-3'

ClinVar aggregate classification (germline): Pathogenic (1 of 4 stars; one submission).

Conditions:
Marfan syndrome (MFS). Also called: MARFAN SYNDROME, TYPE I; Marfan syndrome type 1; Marfan's syndrome; Marfan syndrome, classic; FBN1-Related Marfan Syndrome. Identifiers: Orphanet 284963, Orphanet 558, MedGen C0024796, MONDO:0007947, OMIM 154700.
Familial thoracic aortic aneurysm and aortic dissection (TAAD). Also called: Thoracic aortic aneurysms and dissections. Identifiers: Orphanet 91387, MedGen C4707243, MONDO:0019625.

Submission:

Labcorp Genetics (formerly Invitae), Labcorp
Classification: Pathogenic for Marfan syndrome; Familial thoracic aortic aneurysm and aortic dissection. Last evaluated: 2021-06-09. Review status: criteria provided, single submitter. Criteria: Invitae Variant Classification Sherloc (09022015). Collection method: clinical testing. Allele origin: germline.
Comment: This variant has not been reported in the literature in individuals with FBN1-related conditions. This variant is not present in population databases (ExAC no frequency). For these reasons, this variant has been classified as Pathogenic. This sequence change creates a premature translational stop signal (p.Glu2012*) in the FBN1 gene. It is expected to result in an absent or disrupted protein product. Loss-of-function variants in FBN1 are known to be pathogenic (PMID: 17657824, 19293843).

Literature cited by the submitters: PubMed 17657824; PubMed 19293843.